The following is an entry in ClinVar:

ClinVar aggregate classification (germline): Likely pathogenic (1 of 4 stars; one submission).

Conditions:
Acyl-CoA oxidase deficiency. Also called: Peroxisomal acyl-CoA oxidase deficiency; Pseudoneonatal adrenoleukodystrophy; STRAIGHT-CHAIN ACYL-CoA OXIDASE DEFICIENCY. Identifiers: Orphanet 2971, MedGen C1849678, MONDO:0009919, OMIM 264470. Disease mechanism: loss of function.

Submission:

Institute of Human Genetics, University of Goettingen
Classification: Likely pathogenic for Acyl-CoA oxidase deficiency. Last evaluated: 2024-03-20. Review status: criteria provided, single submitter. Criteria: ACMG Guidelines, 2015. Collection method: clinical testing. Allele origin: biparental. Inheritance: Autosomal recessive inheritance. Observed: 1 homozygote.
Comment: The variant c.541G>A (p.(Gly181Arg)) in Exon 5 of the ACOX1 gene is not found in the gnomAD database, it affects a moderately conserved nucleotide and highly conserved amino acid within a protein domain and there is a moderate physicochemical difference between Gly and Arg. This variant has a pathogenic computational verdict based in silico prediction models. Thus, we consider this variant to be likely pathogenic. ACMG criteria used for classification: PM2_sup, PM3_sup, PP1, PP3_mod, PP4.

NM_004035.7(ACOX1):c.541G>A (p.Gly181Arg)

Gene: ACOX1 (acyl-CoA oxidase 1; minus strand). Cytogenetic location: 17q25.1.
Variant type: single nucleotide variant.
Coding change: c.541G>A on transcript NM_004035.7 (MANE Select); coding-DNA position 541, G replaced by A.
Protein change: p.Gly181Arg; replaces glycine 181 with arginine.
Molecular consequence: missense variant.
Genome position (GRCh38, 1-based): chr17:75,955,945, C>T on the plus strand (G>A on the coding strand, the complement: ACOX1 is on the minus strand). VCF-style: chr17-75955945-C-T. GRCh37 (hg19) VCF-style: chr17-73952026-C-T.
Other names: c.427G>A, p.Gly143Arg (NM_001185039.2); c.541G>A, p.Gly181Arg (NM_007292.6); short protein forms G143R, G181R.
Identifiers: ClinVar variation 2687886 (VCV002687886.3), dbSNP rs2546079926, ClinGen allele CA401068258.